The following is an entry in ClinVar:

ClinVar aggregate classification (germline): Uncertain significance (1 of 4 stars; one submission).

Conditions:
TTN-related disorder. Also called: TTN-related disorders; TTN-related condition; TTN-related disease.

gnomAD v4.1: 5 of 1,609,366 alleles (0.00031%); highest among the groups gnomAD compares: Non-Finnish European, 0.00042%; no homozygotes.

Submission:

PreventionGenetics, part of Exact Sciences
Classification: Uncertain significance for TTN-related condition. Last evaluated: 2026-03-11. Review status: criteria provided, single submitter. Criteria: ACMG Guidelines, 2015. Collection method: clinical testing. Allele origin: germline.
Comment: The TTN c.310C>T variant is predicted to result in the amino acid substitution p.Pro104Ser. To our knowledge, this variant has not been reported in the literature. This variant is reported in 0.0018% of alleles in individuals of European (Non-Finnish) descent in gnomAD. At this time, the clinical significance of this variant is uncertain due to the absence of conclusive functional and genetic evidence.

NM_001267550.2(TTN):c.310C>T (p.Pro104Ser)

Gene: TTN (titin; minus strand). Cytogenetic location: 2q31.2.
Variant type: single nucleotide variant.
Coding change: c.310C>T on transcript NM_001267550.2 (MANE Select); coding-DNA position 310, C replaced by T.
Protein change: p.Pro104Ser; replaces proline 104 with serine.
Molecular consequence: missense variant.
Genome position (GRCh38, 1-based): chr2:178,800,668, G>A on the plus strand (C>T on the coding strand, the complement: TTN is on the minus strand). VCF-style: chr2-178800668-G-A. GRCh37 (hg19) VCF-style: chr2-179665395-G-A.
Other names: c.310C>T, p.Pro104Ser (NM_001256850.1, NM_003319.4, NM_133378.4 and 3 more transcripts); short protein forms P104S.
Identifiers: ClinVar variation 4983685 (VCV004983685.1).